The following is an entry in ClinVar:

ClinVar aggregate classification (germline): Uncertain significance (1 of 4 stars; one submission).

Submission:

Labcorp Genetics (formerly Invitae), Labcorp
Classification: Uncertain significance. Last evaluated: 2024-08-22. Review status: criteria provided, single submitter. Criteria: Invitae Variant Classification Sherloc (09022015). Collection method: clinical testing. Allele origin: germline.
Comment: This sequence change replaces glutamic acid, which is acidic and polar, with glycine, which is neutral and non-polar, at codon 313 of the ACO2 protein (p.Glu313Gly). This variant is not present in population databases (gnomAD no frequency). This variant has not been reported in the literature in individuals affected with ACO2-related conditions. An algorithm developed to predict the effect of missense changes on protein structure and function outputs the following: PolyPhen-2: "Benign". The glycine amino acid residue is found in multiple mammalian species, which suggests that this missense change does not adversely affect protein function. In summary, the available evidence is currently insufficient to determine the role of this variant in disease. Therefore, it has been classified as a Variant of Uncertain Significance.

NM_001098.3(ACO2):c.938A>G (p.Glu313Gly)

Gene: ACO2 (aconitase 2; plus strand). Cytogenetic location: 22q13.2.
Variant type: single nucleotide variant.
Coding change: c.938A>G on transcript NM_001098.3 (MANE Select); coding-DNA position 938, A replaced by G.
Protein change: p.Glu313Gly; replaces glutamic acid 313 with glycine.
Molecular consequence: missense variant.
Genome position (GRCh38, 1-based): chr22:41,517,629, A>G. VCF-style: chr22-41517629-A-G. GRCh37 (hg19) VCF-style: chr22-41913633-A-G.
Other names: short protein forms E313G.
Identifiers: ClinVar variation 3663291 (VCV003663291.2).